The following is an entry in ClinVar:

ClinVar aggregate classification (germline): Uncertain significance (1 of 4 stars; one submission).

Conditions:
VPS13B-related disorder. Also called: VPS13B-related condition.

gnomAD v4.1: 2 of 1,613,708 alleles (0.00012%); highest among the groups gnomAD compares: Non-Finnish European, 0.00017%; no homozygotes.

Submission:

PreventionGenetics, part of Exact Sciences
Classification: Uncertain significance for VPS13B-related condition. Last evaluated: 2025-09-24. Review status: criteria provided, single submitter. Criteria: ACMG Guidelines, 2015. Collection method: clinical testing. Allele origin: germline.
Comment: The VPS13B c.8458C>T variant is predicted to result in the amino acid substitution p.Pro2820Ser. To our knowledge, this variant has not been reported in the literature or in gnomAD, indicating this variant is rare. At this time, the clinical significance of this variant is uncertain due to the absence of conclusive functional and genetic evidence.

NM_152564.5(VPS13B):c.8458C>T (p.Pro2820Ser)

Gene: VPS13B (vacuolar protein sorting 13 homolog B; plus strand). Cytogenetic location: 8q22.2.
Variant type: single nucleotide variant.
Coding change: c.8458C>T on transcript NM_152564.5 (MANE Select); coding-DNA position 8458, C replaced by T.
Protein change: p.Pro2820Ser; replaces proline 2820 with serine.
Molecular consequence: missense variant.
Genome position (GRCh38, 1-based): chr8:99,818,725, C>T. VCF-style: chr8-99818725-C-T. GRCh37 (hg19) VCF-style: chr8-100830953-C-T.
Other names: c.8533C>T, p.Pro2845Ser (NM_017890.5); short protein forms P2845S, P2820S.
Identifiers: ClinVar variation 4986427 (VCV004986427.1).